The following is an entry in ClinVar:

NM_173689.7(CRB2):c.2209C>G (p.Gln737Glu)

Gene: CRB2 (crumbs cell polarity complex component 2; plus strand). Cytogenetic location: 9q33.3.
Variant type: single nucleotide variant.
Coding change: c.2209C>G on transcript NM_173689.7 (MANE Select); coding-DNA position 2209, C replaced by G.
Protein change: p.Gln737Glu; replaces glutamine 737 with glutamic acid.
Molecular consequence: missense variant. On other transcripts: non-coding transcript variant (1).
Genome position (GRCh38, 1-based): chr9:123,371,351, C>G. VCF-style: chr9-123371351-C-G. GRCh37 (hg19) VCF-style: chr9-126133630-C-G.
Other names: short protein forms Q737E.
Identifiers: ClinVar variation 3365031 (VCV003365031.1).

ClinVar aggregate classification (germline): Uncertain significance (1 of 4 stars; one submission).

gnomAD v4.1: 15 of 1,604,546 alleles (0.00093%); highest among the groups gnomAD compares: Non-Finnish European, 0.0011%; no homozygotes.

Submission:

GeneDx
Classification: Uncertain significance. Last evaluated: 2023-12-11. Review status: criteria provided, single submitter. Criteria: GeneDx Variant Classification Process June 2021. Collection method: clinical testing. Allele origin: germline. Affected: yes.
Comment: Not observed at significant frequency in large population cohorts (gnomAD); In silico analysis supports that this missense variant does not alter protein structure/function; Has not been previously published as pathogenic or benign to our knowledge